The following is an entry in ClinVar:

ClinVar aggregate classification (germline): Uncertain significance (1 of 4 stars; one submission).

Conditions:
Familial hemophagocytic lymphohistiocytosis 5. Also called: STXBP2-Related Familial Hemophagocytic Lymphohistiocytosis (STXBP2-fHLH). Identifiers: Orphanet 540, MedGen C2751293, MONDO:0013135, OMIM 613101.

Submission:

Labcorp Genetics (formerly Invitae), Labcorp
Classification: Uncertain significance for Familial hemophagocytic lymphohistiocytosis 5. Last evaluated: 2020-11-04. Review status: criteria provided, single submitter. Criteria: Invitae Variant Classification Sherloc (09022015). Collection method: clinical testing. Allele origin: germline.
Comment: In summary, the available evidence is currently insufficient to determine the role of this variant in disease. Therefore, it has been classified as a Variant of Uncertain Significance. Algorithms developed to predict the effect of missense changes on protein structure and function are either unavailable or do not agree on the potential impact of this missense change (SIFT: "Tolerated"; PolyPhen-2: "Probably Damaging"; Align-GVGD: "Class C0"). This variant has not been reported in the literature in individuals with STXBP2-related conditions. This variant is not present in population databases (ExAC no frequency). This sequence change replaces methionine with isoleucine at codon 386 of the STXBP2 protein (p.Met386Ile). The methionine residue is highly conserved and there is a small physicochemical difference between methionine and isoleucine.

NM_006949.4(STXBP2):c.1158G>T (p.Met386Ile)

Gene: STXBP2 (syntaxin binding protein 2; plus strand). Cytogenetic location: 19p13.2.
Variant type: single nucleotide variant.
Coding change: c.1158G>T on transcript NM_006949.4 (MANE Select); coding-DNA position 1158, G replaced by T.
Protein change: p.Met386Ile; replaces methionine 386 with isoleucine.
Molecular consequence: missense variant. On other transcripts: non-coding transcript variant (1).
Genome position (GRCh38, 1-based): chr19:7,644,664, G>T. VCF-style: chr19-7644664-G-T. GRCh37 (hg19) VCF-style: chr19-7709550-G-T.
Other names: c.1149G>T, p.Met383Ile (NM_001127396.3); c.1191G>T, p.Met397Ile (NM_001272034.2); short protein forms M386I, M397I, M383I.
Identifiers: ClinVar variation 1419253 (VCV001419253.8), dbSNP rs2146226431, ClinGen allele CA403161092.
Genomic context (GRCh38, chr19:7,644,664, plus strand): 5'-ATGCCCGCAGGACCTGGCCATGGGCTCCGACGCAGAGGGGGAGAAGATCAAGGACTCCAT[G>T]AAGCTGATCGTTCCGGTGCTGCTGGACGCGGCGGTGCCCGCCTACGACAAGATCCGGGTC-3'
Protein context (NP_008880.2, residues 376-396): DAEGEKIKDS[Met386Ile]KLIVPVLLDA